The following is an entry in ClinVar:

NM_145239.3(PRRT2):c.971G>T (p.Gly324Val)

Genes: MVP-DT (MVP divergent transcript; minus strand), PRRT2 (proline rich transmembrane protein 2; plus strand). Cytogenetic location: 16p11.2.
Variant type: single nucleotide variant.
Coding change: c.971G>T on transcript NM_145239.3 (MANE Select); coding-DNA position 971, G replaced by T.
Protein change: p.Gly324Val; replaces glycine 324 with valine.
Molecular consequence: missense variant. On other transcripts: 3 prime UTR variant (1).
Genome position (GRCh38, 1-based): chr16:29,814,424, G>T. VCF-style: chr16-29814424-G-T. GRCh37 (hg19) VCF-style: chr16-29825745-G-T.
Other names: c.971G>T, p.Gly324Val (NM_001256442.2); c.*470G>T (NM_001256443.2); short protein forms G324V.
Identifiers: ClinVar variation 1465810 (VCV001465810.8), dbSNP rs796052938, ClinGen allele CA395480743.
Genomic context (GRCh38, chr16:29,814,424, plus strand): 5'-ACGGGGCCCAGCGTCTGGGCCGGGTAGCCAAGCTCTTAAGCATCGTGGCGCTGGTGGGGG[G>T]AGTCCTCATCATCATCGCCTCCTGCGTCATCAACTTAGGCGGTGAGTGGGGGCTTGGGAC-3'
Protein context (NP_660282.2, residues 314-334): KLLSIVALVG[Gly324Val]VLIIIASCVI

ClinVar aggregate classification (germline): Likely pathogenic. Review status: criteria provided, multiple submitters, no conflicts (2 of 4 stars). 2 submissions from 2 submitters: Likely pathogenic (2). Last evaluated 2024-07-30.

Conditions:
Episodic kinesigenic dyskinesia and familial infantile convulsions with paroxysmal choreoathetosis.
Episodic kinesigenic dyskinesia (EKD). Also called: Paroxysmal kinesigenic dyskinesia. Identifiers: Orphanet 98809, MedGen C1868682, MONDO:0044202.

Submissions (2):

3billion
Classification: Likely pathogenic for Episodic kinesigenic dyskinesia and familial infantile convulsions with paroxysmal choreoathetosis. Last evaluated: 2024-07-30. Review status: criteria provided, single submitter. Criteria: ACMG Guidelines, 2015. Collection method: clinical testing. Allele origin: germline. Affected: yes.
Comment: The variant is not observed in the gnomAD v4.0.0 dataset. The majority of the known disease-causing variants of this gene are variants expected to result in premature termination of the protein. In silico tool predictions suggest damaging effect of the variant on gene or gene product [REVEL: 0.94 (>=0.6); 3Cnet: 0.99 (>=0.6)]. The same nucleotide change resulting in the same amino acid change has been previously reported to be associated with PRRT2-related disorder (ClinVar ID: VCV001465810), and different missense changes at the same codon (p.Gly324Ala, p.Gly324Arg, p.Gly324Glu) have been reported as pathogenic/likely pathogenic with strong evidence (ClinVar ID: VCV000206693, VCV000916311, VCV000945026 / PMID: 23077026). Therefore, this variant is classified as likely pathogenic according to the recommendation of ACMG/AMP guideline.

Labcorp Genetics (formerly Invitae), Labcorp
Classification: Likely pathogenic for Episodic kinesigenic dyskinesia. Last evaluated: 2023-03-23. Review status: criteria provided, single submitter. Criteria: Invitae Variant Classification Sherloc (09022015). Collection method: clinical testing. Allele origin: germline.
Comment: This variant has not been reported in the literature in individuals affected with PRRT2-related conditions. In summary, the currently available evidence indicates that the variant is pathogenic, but additional data are needed to prove that conclusively. Therefore, this variant has been classified as Likely Pathogenic. This variant disrupts the p.Gly324 amino acid residue in PRRT2. Other variant(s) that disrupt this residue have been determined to be pathogenic (PMID: 23077026, 30980674; Invitae). This suggests that this residue is clinically significant, and that variants that disrupt this residue are likely to be disease-causing. Advanced modeling of protein sequence and biophysical properties (such as structural, functional, and spatial information, amino acid conservation, physicochemical variation, residue mobility, and thermodynamic stability) performed at Invitae indicates that this missense variant is expected to disrupt PRRT2 protein function. ClinVar contains an entry for this variant (Variation ID: 1465810). This variant is not present in population databases (gnomAD no frequency). This sequence change replaces glycine, which is neutral and non-polar, with valine, which is neutral and non-polar, at codon 324 of the PRRT2 protein (p.Gly324Val).

Literature cited by the submitters: PubMed 21937992 (cited by 3billion); PubMed 23126439 (cited by 3billion); PubMed 23077026 (cited by Labcorp Genetics (formerly Invitae), Labcorp); PubMed 30980674 (cited by Labcorp Genetics (formerly Invitae), Labcorp).